The following is an entry in ClinVar:

NM_024334.3(TMEM43):c.1001-3C>T

Gene: TMEM43 (transmembrane protein 43; plus strand). Cytogenetic location: 3p25.1.
Variant type: single nucleotide variant.
Coding change: c.1001-3C>T on transcript NM_024334.3 (MANE Select); 3 bases into the intron before coding-DNA position 1001, C replaced by T.
Molecular consequence: intron variant.
Genome position (GRCh38, 1-based): chr3:14,141,590, C>T. VCF-style: chr3-14141590-C-T. GRCh37 (hg19) VCF-style: chr3-14183090-C-T.
Identifiers: ClinVar variation 496457 (VCV000496457.5), dbSNP rs1553603640, ClinGen allele CA658683300.
Genomic context (GRCh38, chr3:14,141,590, plus strand): 5'-AGATCTGCTGAGCTGGTGAGGTGTAGAGCAGGTGGCACCTCATCACCTTTCTCCTTTCCA[C>T]AGTGGACTGGTTTCCTGTTTTCCGAGACCTGGTCAACATTGGCCTGAAAGCCTTTGCCTT-3'

ClinVar aggregate classification (germline): Conflicting classifications of pathogenicity. Review status: criteria provided, conflicting classifications (1 of 4 stars). 4 submissions from 4 submitters: Uncertain significance (2); Likely benign (2). Last evaluated 2025-04-17.

Conditions:
Arrhythmogenic right ventricular dysplasia 5. Also called: Arrhythmogenic Right Ventricular Dysplasia/Cardiomyopathy 5; ARRHYTHMOGENIC RIGHT VENTRICULAR DYSPLASIA, FAMILIAL, 5. Identifiers: MedGen C1858379, MONDO:0011459, OMIM 604400.
Cardiomyopathy (CMYO). Also called: Cardiomyopathies. Identifiers: Orphanet 167848, MedGen C0878544, MONDO:0004994, HP:0001638. Inheritance: Various modes of inheritance.

Allele frequency attached by ClinVar (database versions not stated): TOPMed below 0.00001; gnomAD exomes below 0.00001.

Submissions (4):

Labcorp Genetics (formerly Invitae), Labcorp
Classification: Uncertain significance for Arrhythmogenic right ventricular dysplasia 5. Last evaluated: 2025-04-17. Review status: criteria provided, single submitter. Criteria: Invitae Variant Classification Sherloc (09022015). Collection method: clinical testing. Allele origin: germline.
Comment: This sequence change falls in intron 11 of the TMEM43 gene. It does not directly change the encoded amino acid sequence of the TMEM43 protein. It affects a nucleotide within the consensus splice site. This variant is not present in population databases (gnomAD no frequency). This variant has not been reported in the literature in individuals affected with TMEM43-related conditions. ClinVar contains an entry for this variant (Variation ID: 496457). Variants that disrupt the consensus splice site are a relatively common cause of aberrant splicing (PMID: 17576681, 9536098). Algorithms developed to predict the effect of sequence changes on RNA splicing suggest that this variant is not likely to affect RNA splicing. In summary, the available evidence is currently insufficient to determine the role of this variant in disease. Therefore, it has been classified as a Variant of Uncertain Significance.

All of Us Research Program, National Institutes of Health
Classification: Likely benign for Arrhythmogenic right ventricular dysplasia 5. Last evaluated: 2024-07-20. Review status: criteria provided, single submitter. Criteria: ACMG Guidelines, 2015. Collection method: clinical testing. Allele origin: germline. Inheritance: Autosomal dominant inheritance. Observed: 1 variant allele, 1 heterozygote.
Comment: This study involves interpretation of variants in research participants for the purpose of population health screening. Participant phenotype was not available at the time of variant classification. Additional details can be found in publication PMID: 35346344, PMCID: PMC8962531

Color Diagnostics, LLC DBA Color Health
Classification: Likely benign for Cardiomyopathy. Last evaluated: 2019-02-08. Review status: criteria provided, single submitter. Criteria: ACMG Guidelines, 2015. Collection method: clinical testing. Allele origin: germline.

Women's Health and Genetics/Laboratory Corporation of America, LabCorp
Classification: Uncertain significance. Last evaluated: 2017-02-20. Review status: criteria provided, single submitter. Criteria: LabCorp Variant Classification Summary - May 2015. Collection method: clinical testing. Allele origin: germline.
Comment: Variant summary: The TMEM43 c.1001-3C>T variant involves the alteration of a conserved intronic nucleotide. Mutation Taster predicts damaging outcome for this variant. 3/5 splice prediction tools predict no significant impact on normal splicing. However, these predictions have yet to be confirmed by functional studies. This variant is absent in 121314 control chromosomes from ExAC. The variant of interest has not, to our knowledge, been reported in affected individuals via publications and/or reputable databases/clinical diagnostic laboratories, nor evaluated for functional impact by in vivo/vitro studies. Because of the absence of clinical information and the lack of functional studies, the variant is classified as a variant of uncertain significance (VUS) until additional information becomes available.

Literature cited by the submitters: PubMed 17576681 (cited by Labcorp Genetics (formerly Invitae), Labcorp); PubMed 9536098 (cited by Labcorp Genetics (formerly Invitae), Labcorp).